The following is an entry in ClinVar:

ClinVar aggregate classification (germline): Likely benign. Review status: criteria provided, multiple submitters, no conflicts (2 of 4 stars). 6 submissions from 6 submitters: Likely benign (2). 4 of the submissions do not count toward it. Last evaluated 2025-11-01.

Conditions:
Polycystic kidney disease. Also called: Kidney, Polycystic; Polycystic kidney dysplasia. Identifiers: MedGen C0022680, MeSH D007690, MONDO:0020642, HP:0000113.
PKD1-related disorder. Also called: PKD1-related condition.

Allele frequency attached by ClinVar (database versions not stated): ESP Exome Variant Server 0.00016; gnomAD 0.00017 and 0.00022; TOPMed 0.00023; gnomAD exomes 0.00024 and 0.00032; ExAC 0.00035.
gnomAD v4.1: 395 of 1,601,146 alleles (0.025%); highest among the groups gnomAD compares: Middle Eastern, 0.16%; no homozygotes.

Submissions (6):

CeGaT Center for Human Genetics Tuebingen
Classification: Likely benign. Last evaluated: 2025-11-01. Review status: criteria provided, single submitter. Criteria: CeGaT Center For Human Genetics Tuebingen Variant Classification Criteria Version 2. Collection method: clinical testing. Allele origin: germline. Affected: yes. Observed: 2 variant alleles.
Comment: PKD1: BP4

Blueprint Genetics
Classification: Likely benign. Last evaluated: 2024-11-13. Review status: criteria provided, single submitter. Criteria: ACMG Guidelines, 2015. Collection method: clinical testing. Allele origin: germline.

PreventionGenetics, part of Exact Sciences
Classification: Likely benign for PKD1-related condition. Last evaluated: 2023-02-07. Review status: no assertion criteria provided. Collection method: clinical testing. Allele origin: germline. Not counted in ClinVar's aggregate classification.
Comment: This variant is classified as likely benign based on ACMG/AMP sequence variant interpretation guidelines (Richards et al. 2015 PMID: 25741868, with internal and published modifications).

Clinical Genetics DNA and cytogenetics Diagnostics Lab, Erasmus MC, Erasmus Medical Center
Classification: Likely benign. Review status: no assertion criteria provided. Collection method: clinical testing. Allele origin: germline. Affected: yes. Study: VKGL Data-share Consensus. Not counted in ClinVar's aggregate classification.

Department of Pathology and Laboratory Medicine, Sinai Health System
Classification: Likely benign for Polycystic Kidney disease. Review status: no assertion criteria provided. Collection method: clinical testing. Allele origin: unknown. Affected: yes. Observed: 2 variant alleles. Study: The Canadian Open Genetics Repository (COGR). Not counted in ClinVar's aggregate classification.
Comment: The PKD1 p.Val2897Ile variant was identified in 2 of 404 proband chromosomes (frequency: 0.005) from individuals or families with ADPKD (Rossetti 2007). The variant was also identified in dbSNP (ID: rs145532417) as N/A, ADPKD Mutation Database (classified as likely neutral), databases. The variant was not identified in ClinVar, GeneInsight-COGR, LOVD 3.0, PKD1-LOVD, databases. The variant was identified in control databases in 81 of 263776 chromosomes at a frequency of 0.0003 increasing the likelihood this could be a low frequency benign variant (Genome Aggregation Consortium Feb 27, 2017). In addition we cannot be certain that data from control databases is specific to PKD1 and not from one of the six PKD1-related pseudogenes. The p.Val2897 residue is not conserved in mammals and four out of five computational analyses (PolyPhen-2, SIFT, AlignGVGD, BLOSUM, MutationTaster) do not suggest a high likelihood of impact to the protein; however, this information is not predictive enough to rule out pathogenicity. The variant occurs outside of the splicing consensus sequence and in silico or computational prediction software programs (SpliceSiteFinder, MaxEntScan, NNSPLICE, GeneSplicer, HumanSpliceFinder) do not predict a difference in splicing. In addition, the variant does not segregate with disease in two ADPKD patients and has composite variant score -22 (composite variant score <-5 is neutral polymorphism) (Rossetti 2007). In summary, based on the above information, the clinical significance of this variant cannot be determined with certainty at this time although we would lean towards a more benign role for this variant. This variant is classified as likely benign.

Genome Diagnostics Laboratory, University Medical Center Utrecht
Classification: Likely benign. Review status: no assertion criteria provided. Collection method: clinical testing. Allele origin: germline. Affected: yes. Study: VKGL Data-share Consensus. Not counted in ClinVar's aggregate classification.

NM_001009944.3(PKD1):c.8689G>A (p.Val2897Ile)

Gene: PKD1 (polycystin 1, transient receptor potential channel interacting; minus strand). Cytogenetic location: 16p13.3.
Variant type: single nucleotide variant.
Coding change: c.8689G>A on transcript NM_001009944.3 (MANE Select); coding-DNA position 8689, G replaced by A.
Protein change: p.Val2897Ile; replaces valine 2897 with isoleucine.
Molecular consequence: missense variant.
Genome position (GRCh38, 1-based): chr16:2,103,368, C>T on the plus strand (G>A on the coding strand, the complement: PKD1 is on the minus strand). VCF-style: chr16-2103368-C-T. GRCh37 (hg19) VCF-style: chr16-2153369-C-T.
Other names: c.8689G>A, p.Val2897Ile (NM_000296.4); c.8689G>A (NM_001009944.2); short protein forms V2897I.
Identifiers: ClinVar variation 997132 (VCV000997132.29), dbSNP rs145532417, ClinGen allele CA7830421.